The following is an entry in ClinVar:

NM_005188.4(CBL):c.1816A>G (p.Ser606Gly)

Gene: CBL (Cbl proto-oncogene; plus strand). Cytogenetic location: 11q23.3.
Variant type: single nucleotide variant.
Coding change: c.1816A>G on transcript NM_005188.4 (MANE Select); coding-DNA position 1816, A replaced by G.
Protein change: p.Ser606Gly; replaces serine 606 with glycine.
Molecular consequence: missense variant.
Genome position (GRCh38, 1-based): chr11:119,285,441, A>G. VCF-style: chr11-119285441-A-G. GRCh37 (hg19) VCF-style: chr11-119156151-A-G.
Other names: short protein forms S606G.
Identifiers: ClinVar variation 1718005 (VCV001718005.5), dbSNP rs2496953240, ClinGen allele CA382920537.
Genomic context (GRCh38, chr11:119,285,441, plus strand): 5'-CTTGGAGACTCATGGCTGCCCCGGCCAATCCCCAAAGTACCAGTATCTGCCCCAAGTTCC[A>G]GTGATCCCTGGACAGGAAGAGAATTAACCAACCGGCACTCACTTCCATTTTCATTGCCCT-3'
Protein context (NP_005179.2, residues 596-616): PKVPVSAPSS[Ser606Gly]DPWTGRELTN

ClinVar aggregate classification (germline): Uncertain significance (1 of 4 stars; one submission).

Conditions:
RASopathy. Also called: rasopathies; Noonan spectrum disorder. Identifiers: Orphanet 536391, MedGen C5555857, MONDO:0021060.

Submission:

Labcorp Genetics (formerly Invitae), Labcorp
Classification: Uncertain significance for RASopathy. Last evaluated: 2022-08-25. Review status: criteria provided, single submitter. Criteria: Invitae Variant Classification Sherloc (09022015). Collection method: clinical testing. Allele origin: germline.
Comment: This sequence change replaces serine, which is neutral and polar, with glycine, which is neutral and non-polar, at codon 606 of the CBL protein (p.Ser606Gly). This variant is not present in population databases (gnomAD no frequency). This variant has not been reported in the literature in individuals affected with CBL-related conditions. Advanced modeling of protein sequence and biophysical properties (such as structural, functional, and spatial information, amino acid conservation, physicochemical variation, residue mobility, and thermodynamic stability) performed at Invitae indicates that this missense variant is not expected to disrupt CBL protein function. In summary, the available evidence is currently insufficient to determine the role of this variant in disease. Therefore, it has been classified as a Variant of Uncertain Significance.